The following is an entry in ClinVar:

NM_001035.3(RYR2):c.179C>G (p.Pro60Arg)

Gene: RYR2 (ryanodine receptor 2; plus strand). Cytogenetic location: 1q43.
Variant type: single nucleotide variant.
Coding change: c.179C>G on transcript NM_001035.3 (MANE Select); coding-DNA position 179, C replaced by G.
Protein change: p.Pro60Arg; replaces proline 60 with arginine.
Molecular consequence: missense variant.
Genome position (GRCh38, 1-based): chr1:237,330,888, C>G. VCF-style: chr1-237330888-C-G. GRCh37 (hg19) VCF-style: chr1-237494188-C-G.
Other names: short protein forms P60R.
Identifiers: ClinVar variation 2774233 (VCV002774233.5), dbSNP rs2529153286, ClinGen allele CA345654559.

ClinVar aggregate classification (germline): Uncertain significance. Review status: criteria provided, multiple submitters, no conflicts (2 of 4 stars). 3 submissions from 3 submitters: Uncertain significance (3). Last evaluated 2025-07-30.

Conditions:
Catecholaminergic polymorphic ventricular tachycardia (CVPT). Also called: Catecholamine-induced polymorphic ventricular tachycardia. Identifiers: Orphanet 3286, MedGen C5574922, MONDO:0017990.
Catecholaminergic polymorphic ventricular tachycardia 1. Also called: VENTRICULAR TACHYCARDIA, STRESS-INDUCED POLYMORPHIC 1; VENTRICULAR TACHYCARDIA, CATECHOLAMINERGIC POLYMORPHIC, 1, WITH OR WITHOUT ATRIAL DYSFUNCTION AND/OR DILATED CARDIOMYOPATHY; RYR2-Related Catecholaminergic Polymorphic Ventricular Tachycardia. Identifiers: Orphanet 3286, MedGen C1631597, MONDO:0011484, OMIM 604772.
Cardiomyopathy (CMYO). Also called: Cardiomyopathies. Identifiers: Orphanet 167848, MedGen C0878544, MONDO:0004994, HP:0001638. Inheritance: Various modes of inheritance.

gnomAD v4.1: 1 of 1,613,906 alleles (0.000062%); highest among the groups gnomAD compares: Non-Finnish European, 0.000085%; no homozygotes.

Submissions (3):

Labcorp Genetics (formerly Invitae), Labcorp
Classification: Uncertain significance for Catecholaminergic polymorphic ventricular tachycardia 1. Last evaluated: 2025-07-30. Review status: criteria provided, single submitter. Criteria: Invitae Variant Classification Sherloc (09022015). Collection method: clinical testing. Allele origin: germline.
Comment: This sequence change replaces proline, which is neutral and non-polar, with arginine, which is basic and polar, at codon 60 of the RYR2 protein (p.Pro60Arg). This variant is not present in population databases (gnomAD no frequency). This variant has not been reported in the literature in individuals affected with RYR2-related conditions. ClinVar contains an entry for this variant (Variation ID: 2774233). Invitae Evidence Modeling of protein sequence and biophysical properties (such as structural, functional, and spatial information, amino acid conservation, physicochemical variation, residue mobility, and thermodynamic stability) indicates that this missense variant is expected to disrupt RYR2 protein function with a positive predictive value of 95%. In summary, the available evidence is currently insufficient to determine the role of this variant in disease. Therefore, it has been classified as a Variant of Uncertain Significance.

All of Us Research Program, National Institutes of Health
Classification: Uncertain significance for Catecholaminergic polymorphic ventricular tachycardia. Last evaluated: 2024-08-06. Review status: criteria provided, single submitter. Criteria: ACMG Guidelines, 2015. Collection method: clinical testing. Allele origin: germline. Inheritance: Autosomal dominant inheritance. Observed: 2 variant alleles, 2 heterozygotes.
Comment: This missense variant replaces proline with arginine at codon 60 of the RYR2 protein. Computational prediction suggests that this variant may have deleterious impact on protein structure and function (internally defined REVEL score threshold >= 0.7, PMID: 27666373). To our knowledge, functional studies have not been reported for this variant. This variant has not been reported in individuals affected with RYR2-related disorders in the literature. This variant has not been identified in the general population by the Genome Aggregation Database (gnomAD). The available evidence is insufficient to determine the role of this variant in disease conclusively. Therefore, this variant is classified as a Variant of Uncertain Significance.

This study involves interpretation of variants in research participants for the purpose of population health screening. Participant phenotype was not available at the time of variant classification. Additional details can be found in publication PMID: 35346344, PMCID: PMC8962531

Color Diagnostics, LLC DBA Color Health
Classification: Uncertain significance for Cardiomyopathy. Last evaluated: 2024-03-06. Review status: criteria provided, single submitter. Criteria: ACMG Guidelines, 2015. Collection method: clinical testing. Allele origin: germline.
Comment: This missense variant replaces proline with arginine at codon 60 of the RYR2 protein. Computational prediction suggests that this variant may have deleterious impact on protein structure and function (internally defined REVEL score threshold >= 0.7, PMID: 27666373). To our knowledge, functional studies have not been reported for this variant. This variant has not been reported in individuals affected with RYR2-related disorders in the literature. This variant has not been identified in the general population by the Genome Aggregation Database (gnomAD). The available evidence is insufficient to determine the role of this variant in disease conclusively. Therefore, this variant is classified as a Variant of Uncertain Significance.